The following is an entry in ClinVar:

NM_001148.6(ANK2):c.9699A>G (p.Ile3233Met)

Gene: ANK2 (ankyrin 2; plus strand). Cytogenetic location: 4q26.
Variant type: single nucleotide variant.
Coding change: c.9699A>G on transcript NM_001148.6 (MANE Select); coding-DNA position 9699, A replaced by G.
Protein change: p.Ile3233Met; replaces isoleucine 3233 with methionine.
Molecular consequence: missense variant. On other transcripts: intron variant (68).
Genome position (GRCh38, 1-based): chr4:113,358,317, A>G. VCF-style: chr4-113358317-A-G. GRCh37 (hg19) VCF-style: chr4-114279473-A-G.
Other names: c.9465A>G, p.Ile3155Met (NM_001386142.1); c.6099A>G, p.Ile2033Met (NM_001386166.1); c.9840A>G, p.Ile3280Met (NM_001386174.1); c.9816A>G, p.Ile3272Met (NM_001386175.1); c.4412-2506A>G (NM_001386186.2, NM_001386148.2); c.4214-2506A>G (NM_001354269.3); c.4292-2506A>G (NM_001386187.2); c.4253-2506A>G (NM_001386147.1); and 35 more; short protein forms I2033M, I3155M, I3233M, I3272M, I3280M.
Identifiers: ClinVar variation 3898809 (VCV003898809.1).

ClinVar aggregate classification (germline): Uncertain significance (1 of 4 stars; one submission).

gnomAD v4.1: 1 of 1,612,990 alleles (0.000062%); highest among the groups gnomAD compares: Non-Finnish European, 0.000085%; no homozygotes.

Submission:

GeneDx
Classification: Uncertain significance. Last evaluated: 2024-11-11. Review status: criteria provided, single submitter. Criteria: GeneDx Variant Classification Process June 2021. Collection method: clinical testing. Allele origin: germline. Affected: yes.
Comment: Has not been previously published as pathogenic or benign to our knowledge; Not observed at significant frequency in large population cohorts (gnomAD); Located in exon 38, which is reported as being expressed in a brain-specific transcript (PMID: 1830053, 18790697, 26109584); In silico analysis indicates that this missense variant does not alter protein structure/function; This variant is associated with the following publications: (PMID: 1830053, 18790697, 26109584)